The following is an entry in ClinVar:

NM_144596.4(TTC8):c.588dup (p.Glu197Ter)

Gene: TTC8 (tetratricopeptide repeat domain 8; plus strand). Cytogenetic location: 14q31.3.
Variant type: Duplication.
Coding change: c.588dup on transcript NM_144596.4 (MANE Select); coding-DNA position 588, one base duplicated (T; older notation c.588dupT).
Protein change: p.Glu197Ter; replaces glutamic acid 197 with a stop codon.
Molecular consequence: nonsense. On other transcripts: 5 prime UTR variant (1), non-coding transcript variant (1), intron variant (1).
Genome position (GRCh38, 1-based): chr14:88,843,814, T duplicated; the last of 3 consecutive T bases (chr14:88,843,812-88,843,814); duplicating any one gives the same sequence. VCF-style (leftmost placement, unchanged base first): chr14-88843811-G-GT. GRCh37 (hg19) VCF-style: chr14-89310155-G-GT.
Other names: c.558dup, p.Glu187Ter (NM_001288781.1, NM_001366535.2, NM_198309.3); c.-190dup (NM_001288783.1); c.468dup, p.Glu157Ter (NM_001366536.2, NM_198310.3); c.30+2257dup (NM_001288782.1); short protein forms E157*, E197*, E187*.
Identifiers: ClinVar variation 3723406 (VCV003723406.2).

ClinVar aggregate classification (germline): Pathogenic (1 of 4 stars; one submission).

Conditions:
Bardet-Biedl syndrome (BBS). Identifiers: Orphanet 110, MedGen C0752166, MONDO:0015229.

Submission:

Labcorp Genetics (formerly Invitae), Labcorp
Classification: Pathogenic for Bardet-Biedl syndrome. Last evaluated: 2024-10-21. Review status: criteria provided, single submitter. Criteria: Invitae Variant Classification Sherloc (09022015). Collection method: clinical testing. Allele origin: germline.
Comment: This sequence change creates a premature translational stop signal (p.Glu187*) in the TTC8 gene. It is expected to result in an absent or disrupted protein product. Loss-of-function variants in TTC8 are known to be pathogenic (PMID: 16308660, 16877420, 19797195, 21052717, 30886724). This variant is not present in population databases (gnomAD no frequency). This variant has not been reported in the literature in individuals affected with TTC8-related conditions. For these reasons, this variant has been classified as Pathogenic.

Literature cited by the submitters: PubMed 16308660; PubMed 16877420; PubMed 19797195; PubMed 21052717; PubMed 30886724.